The following is an entry in ClinVar:

NM_002474.3(MYH11):c.2998-10C>G

Gene: MYH11 (myosin heavy chain 11; minus strand). Cytogenetic location: 16p13.11.
Variant type: single nucleotide variant.
Coding change: c.2998-10C>G on transcript NM_002474.3 (MANE Select); 10 bases into the intron before coding-DNA position 2998, C replaced by G.
Molecular consequence: intron variant.
Genome position (GRCh38, 1-based): chr16:15,738,698, G>C on the plus strand (C>G on the coding strand, the complement: MYH11 is on the minus strand). VCF-style: chr16-15738698-G-C. GRCh37 (hg19) VCF-style: chr16-15832555-G-C.
Other names: c.2998-10C>G (NM_022844.3); c.3019-10C>G (NM_001040114.2, NM_001040113.2).
Identifiers: ClinVar variation 1172306 (VCV001172306.8), dbSNP rs2151246082, ClinGen allele CA2499223235.

ClinVar aggregate classification (germline): Likely benign. Review status: criteria provided, multiple submitters, no conflicts (2 of 4 stars). 3 submissions from 3 submitters: Likely benign (3). Last evaluated 2023-12-18.

Conditions:
Aortic aneurysm, familial thoracic 4 (AAT4). Also called: AORTIC ANEURYSM/AORTIC DISSECTION AND PATENT DUCTUS ARTERIOSUS. Identifiers: MedGen C1851504, MONDO:0007568, OMIM 132900.
Familial thoracic aortic aneurysm and aortic dissection (TAAD). Also called: Thoracic aortic aneurysms and dissections. Identifiers: Orphanet 91387, MedGen C4707243, MONDO:0019625.

Submissions (3):

All of Us Research Program, National Institutes of Health
Classification: Likely benign for Familial thoracic aortic aneurysm and aortic dissection. Last evaluated: 2023-12-18. Review status: criteria provided, single submitter. Criteria: ACMG Guidelines, 2015. Collection method: clinical testing. Allele origin: germline. Inheritance: Autosomal dominant inheritance. Observed: 2 variant alleles, 2 heterozygotes.
Comment: This study involves interpretation of variants in research participants for the purpose of population health screening. Participant phenotype was not available at the time of variant classification. Additional details can be found in publication PMID: 35346344, PMCID: PMC8962531

Labcorp Genetics (formerly Invitae), Labcorp
Classification: Likely benign for Aortic aneurysm, familial thoracic 4. Last evaluated: 2022-09-26. Review status: criteria provided, single submitter. Criteria: Invitae Variant Classification Sherloc (09022015). Collection method: clinical testing. Allele origin: germline.

Color Diagnostics, LLC DBA Color Health
Classification: Likely benign for Familial thoracic aortic aneurysm and aortic dissection. Last evaluated: 2020-05-26. Review status: criteria provided, single submitter. Criteria: ACMG Guidelines, 2015. Collection method: clinical testing. Allele origin: germline.